The following is an entry in ClinVar:

ClinVar aggregate classification (germline): Uncertain significance (1 of 4 stars; one submission).

Conditions:
Tuberous sclerosis 1 (TSC1). Identifiers: Orphanet 805, MedGen C1854465, MONDO:0008612, OMIM 191100.

Submission:

Labcorp Genetics (formerly Invitae), Labcorp
Classification: Uncertain significance for Tuberous sclerosis 1. Last evaluated: 2025-04-01. Review status: criteria provided, single submitter. Criteria: Invitae Variant Classification Sherloc (09022015). Collection method: clinical testing. Allele origin: germline.
Comment: This sequence change replaces leucine, which is neutral and non-polar, with histidine, which is basic and polar, at codon 187 of the TSC1 protein (p.Leu187His). This variant is not present in population databases (gnomAD no frequency). This missense change has been observed in individual(s) with tuberous sclerosis complex (internal data). ClinVar contains an entry for this variant (Variation ID: 1054681). Invitae Evidence Modeling of protein sequence and biophysical properties (such as structural, functional, and spatial information, amino acid conservation, physicochemical variation, residue mobility, and thermodynamic stability) has been performed for this missense variant. However, the output from this modeling did not meet the statistical confidence thresholds required to predict the impact of this variant on TSC1 protein function. In summary, the available evidence is currently insufficient to determine the role of this variant in disease. Therefore, it has been classified as a Variant of Uncertain Significance.

NM_000368.5(TSC1):c.560T>A (p.Leu187His)

Gene: TSC1 (TSC complex subunit 1; minus strand). Cytogenetic location: 9q34.13.
Variant type: single nucleotide variant.
Coding change: c.560T>A on transcript NM_000368.5 (MANE Select); coding-DNA position 560, T replaced by A.
Protein change: p.Leu187His; replaces leucine 187 with histidine.
Molecular consequence: missense variant.
Genome position (GRCh38, 1-based): chr9:132,921,922, A>T on the plus strand (T>A on the coding strand, the complement: TSC1 is on the minus strand). VCF-style: chr9-132921922-A-T. GRCh37 (hg19) VCF-style: chr9-135797309-A-T.
Other names: c.560T>A, p.Leu187His (NM_001162426.2); c.407T>A, p.Leu136His (NM_001162427.2); c.197T>A, p.Leu66His (NM_001362177.2); short protein forms L136H, L187H, L66H.
Identifiers: ClinVar variation 1054681 (VCV001054681.9), dbSNP rs2132158100, ClinGen allele CA375372724.